The following is an entry in ClinVar:

NM_144672.4(OTOA):c.184del (p.His62fs)

Gene: OTOA (otoancorin). Cytogenetic location: 16p12.2.
Variant type: Deletion.
Coding change: c.184del on transcript NM_144672.4 (MANE Select); coding-DNA position 184, one base deleted.
Protein change: p.His62fs; shifts the reading frame from histidine 62.
Molecular consequence: frameshift variant.
Genome position: GRCh38 VCF-style: chr16-21681739-TC-T. GRCh37 (hg19) VCF-style: chr16-21693060-TC-T.
Other names: short protein forms H62fs.
Identifiers: ClinVar variation 3601511 (VCV003601511.1).

ClinVar aggregate classification (germline): Likely pathogenic (1 of 4 stars; one submission).

Conditions:
Autosomal recessive nonsyndromic hearing loss 22. Identifiers: Orphanet 90636, MedGen C1846896, MONDO:0011762, OMIM 607039.

Submission:

Institute of Rare Diseases, West China Hospital, Sichuan University
Classification: Likely pathogenic for Autosomal recessive nonsyndromic hearing loss 22. Last evaluated: 2025-01-09. Review status: criteria provided, single submitter. Criteria: ClinGen HL ACMG Specifications v1. Collection method: research. Allele origin: germline. Affected: yes.
Comment: PVS1;PM2_Supporting